The following is an entry in ClinVar:

NM_001267550.2(TTN):c.10304-162T>C

Gene: TTN (titin; minus strand). Cytogenetic location: 2q31.2.
Variant type: single nucleotide variant.
Coding change: c.10304-162T>C on transcript NM_001267550.2 (MANE Select); 162 bases into the intron before coding-DNA position 10304, T replaced by C.
Molecular consequence: intron variant.
Genome position (GRCh38, 1-based): chr2:178,758,078, A>G on the plus strand (T>C on the coding strand, the complement: TTN is on the minus strand). VCF-style: chr2-178758078-A-G. GRCh37 (hg19) VCF-style: chr2-179622805-A-G.
Other names: c.10303+906T>C (NM_001256850.1, NM_133378.4, NM_133379.5); c.10165+906T>C (NM_003319.4, NM_133437.4); c.10166-162T>C (NM_133432.3).
Identifiers: ClinVar variation 673087 (VCV000673087.1), dbSNP rs77535462, ClinGen allele CA11091760.
Genomic context (GRCh38, chr2:178,758,078, plus strand): 5'-GAATTCAGTCCACTCCTACTGCCTTGTCCTTGTATGTCACTATTGACTCGAAGTCACACA[A>G]GTTCACTTCCATTTCCCAGAGAAGCAAGCTGAGACATGAATGGGCTAAGGAACTTCACTA-3'

ClinVar aggregate classification (germline): Benign (1 of 4 stars; one submission).

Allele frequency attached by ClinVar (database versions not stated): gnomAD 0.04832 and 0.05043; TOPMed 0.06145; 1000 Genomes Project 30x 0.07823; 1000 Genomes Project 0.07847.
gnomAD v4.1: 7,664 of 152,246 alleles (5%); highest among the groups gnomAD compares: East Asian, 20%; 384 homozygotes.

Submission:

GeneDx
Classification: Benign. Last evaluated: 2018-06-19. Review status: criteria provided, single submitter. Criteria: GeneDx Variant Classification (06012015). Collection method: clinical testing. Allele origin: germline. Affected: yes.
Comment: This variant is considered likely benign or benign based on one or more of the following criteria: it is a conservative change, it occurs at a poorly conserved position in the protein, it is predicted to be benign by multiple in silico algorithms, and/or has population frequency not consistent with disease.